The following is an entry in ClinVar:

NM_001349338.3(FOXP1):c.852C>G (p.His284Gln)

Gene: FOXP1 (forkhead box P1; minus strand). Cytogenetic location: 3p13.
Variant type: single nucleotide variant.
Coding change: c.852C>G on transcript NM_001349338.3 (MANE Select); coding-DNA position 852, C replaced by G.
Protein change: p.His284Gln; replaces histidine 284 with glutamine.
Molecular consequence: missense variant. On other transcripts: non-coding transcript variant (2).
Genome position (GRCh38, 1-based): chr3:71,041,345, G>C on the plus strand (C>G on the coding strand, the complement: FOXP1 is on the minus strand). VCF-style: chr3-71041345-G-C. GRCh37 (hg19) VCF-style: chr3-71090496-G-C.
Other names: c.852C>G, p.His284Gln (NM_001244808.3, NM_001244810.2, NM_001244814.3 and 3 more transcripts); c.624C>G, p.His208Gln (NM_001244812.3); c.552C>G, p.His184Gln (NM_001244813.3, NM_001244815.2, NM_001349342.3 and 1 more transcripts); c.549C>G, p.His183Gln (NM_001349337.2, NM_001349343.3, NM_001349344.3); c.849C>G, p.His283Gln (NM_001349341.3); short protein forms H183Q, H184Q, H208Q, H283Q, H284Q.
Identifiers: ClinVar variation 3902876 (VCV003902876.1).
Genomic context (GRCh38, chr3:71,041,345, plus strand): 5'-TGTTAAAGGCAGTTTTGGACCCATCTCAGTGGCTGGTTCCTACCTTTCCCTTTTGGGAGT[G>C]TGGACTGAGAGCTGTCCATTGGTAGAGGCATGTGGGTTCATTATTAAGGAGGTCTTGGAA-3'
Protein context (NP_001336267.1, residues 274-294): HASTNGQLSV[His284Gln]TPKRESLSHE

ClinVar aggregate classification (germline): Uncertain significance (1 of 4 stars; one submission).

Submission:

GeneDx
Classification: Uncertain significance. Last evaluated: 2024-12-11. Review status: criteria provided, single submitter. Criteria: GeneDx Variant Classification Process June 2021. Collection method: clinical testing. Allele origin: germline. Affected: yes.
Comment: Not observed at significant frequency in large population cohorts (gnomAD); In silico analysis indicates that this missense variant does not alter protein structure/function; Has not been previously published as pathogenic or benign to our knowledge